The following is an entry in ClinVar:

ClinVar aggregate classification (germline): Uncertain significance (1 of 4 stars; one submission).

Conditions:
RASopathy. Also called: rasopathies; Noonan spectrum disorder. Identifiers: Orphanet 536391, MedGen C5555857, MONDO:0021060.

Submission:

Labcorp Genetics (formerly Invitae), Labcorp
Classification: Uncertain significance for RASopathy. Last evaluated: 2022-12-20. Review status: criteria provided, single submitter. Criteria: Invitae Variant Classification Sherloc (09022015). Collection method: clinical testing. Allele origin: germline.
Comment: This sequence change replaces proline, which is neutral and non-polar, with arginine, which is basic and polar, at codon 417 of the CBL protein (p.Pro417Arg). This variant is not present in population databases (gnomAD no frequency). In summary, the available evidence is currently insufficient to determine the role of this variant in disease. Therefore, it has been classified as a Variant of Uncertain Significance. Experimental studies have shown that this missense change affects CBL function (PMID: 22315494). Advanced modeling of protein sequence and biophysical properties (such as structural, functional, and spatial information, amino acid conservation, physicochemical variation, residue mobility, and thermodynamic stability) performed at Invitae indicates that this missense variant is expected to disrupt CBL protein function. This missense change has been observed in individual(s) with clinical features of CBL-related conditions (PMID: 20595524).

Literature cited by the submitters: PubMed 22315494; PubMed 20595524.

NM_005188.4(CBL):c.1250C>G (p.Pro417Arg)

Gene: CBL (Cbl proto-oncogene; plus strand). Cytogenetic location: 11q23.3.
Variant type: single nucleotide variant.
Coding change: c.1250C>G on transcript NM_005188.4 (MANE Select); coding-DNA position 1250, C replaced by G.
Protein change: p.Pro417Arg; replaces proline 417 with arginine.
Molecular consequence: missense variant.
Genome position (GRCh38, 1-based): chr11:119,278,532, C>G. VCF-style: chr11-119278532-C-G. GRCh37 (hg19) VCF-style: chr11-119149242-C-G.
Other names: short protein forms P417R.
Identifiers: ClinVar variation 2886926 (VCV002886926.3), dbSNP rs779039234, ClinGen allele CA382913788.
Genomic context (GRCh38, chr11:119,278,532, plus strand): 5'-TCAGATGCATCTGTTACTATCTTTTGCTTCTTCTGCAGGAATCAGAAGGTCAGGGCTGTC[C>G]TTTCTGCCGATGTGAAATTAAAGGTACTGAACCCATCGTGGTAGATCCGTTTGATCCTAG-3'
Protein context (NP_005179.2, residues 407-427): SWQESEGQGC[Pro417Arg]FCRCEIKGTE